The following is an entry in ClinVar:

NM_144687.4(NLRP12):c.1991A>G (p.His664Arg)

Gene: NLRP12 (NLR family pyrin domain containing 12; minus strand). Cytogenetic location: 19q13.42.
Variant type: single nucleotide variant.
Coding change: c.1991A>G on transcript NM_144687.4 (MANE Select); coding-DNA position 1991, A replaced by G.
Protein change: p.His664Arg; replaces histidine 664 with arginine.
Molecular consequence: missense variant.
Genome position (GRCh38, 1-based): chr19:53,809,668, T>C on the plus strand (A>G on the coding strand, the complement: NLRP12 is on the minus strand). VCF-style: chr19-53809668-T-C. GRCh37 (hg19) VCF-style: chr19-54312922-T-C.
Other names: c.1991A>G, p.His664Arg (NM_001277126.2, NM_001277129.1); short protein forms H664R.
Identifiers: ClinVar variation 1708794 (VCV001708794.5), dbSNP rs978615320, ClinGen allele CA310068544.
Genomic context (GRCh38, chr19:53,809,668, plus strand): 5'-GCTCCTGCGGAGCACCTCGCGCGGTCTTCCCCGTCCGCGCTGTAGGTGGCGCCATACAAG[T>C]GCAGCACCTGGGCGCTCCTGCAGCGCTTCAGACAGAACGAGGAGACCATGTGCTCCATCT-3'
Protein context (NP_653288.1, residues 654-674): LKRCRSAQVL[His664Arg]LYGATYSADG

ClinVar aggregate classification (germline): Uncertain significance. Review status: criteria provided, multiple submitters, no conflicts (2 of 4 stars). 2 submissions from 2 submitters: Uncertain significance (2). Last evaluated 2024-12-23.

Conditions:
Familial cold autoinflammatory syndrome 2 (FCAS2). Identifiers: Orphanet 247868, MedGen C2673198, MONDO:0012724, OMIM 611762.

Allele frequency attached by ClinVar (database versions not stated): TOPMed below 0.00001.
gnomAD v4.1: 10 of 1,613,968 alleles (0.00062%); highest among the groups gnomAD compares: African/African-American, 0.0013%; no homozygotes.

Submissions (2):

Labcorp Genetics (formerly Invitae), Labcorp
Classification: Uncertain significance for Familial cold autoinflammatory syndrome 2. Last evaluated: 2024-12-23. Review status: criteria provided, single submitter. Criteria: Invitae Variant Classification Sherloc (09022015). Collection method: clinical testing. Allele origin: germline.
Comment: This sequence change replaces histidine, which is basic and polar, with arginine, which is basic and polar, at codon 664 of the NLRP12 protein (p.His664Arg). This variant is not present in population databases (gnomAD no frequency). This variant has not been reported in the literature in individuals affected with NLRP12-related conditions. ClinVar contains an entry for this variant (Variation ID: 1708794). Invitae Evidence Modeling of protein sequence and biophysical properties (such as structural, functional, and spatial information, amino acid conservation, physicochemical variation, residue mobility, and thermodynamic stability) indicates that this missense variant is not expected to disrupt NLRP12 protein function with a negative predictive value of 80%. In summary, the available evidence is currently insufficient to determine the role of this variant in disease. Therefore, it has been classified as a Variant of Uncertain Significance.

GeneDx
Classification: Uncertain significance. Last evaluated: 2023-12-13. Review status: criteria provided, single submitter. Criteria: GeneDx Variant Classification Process June 2021. Collection method: clinical testing. Allele origin: germline. Affected: yes.
Comment: Not observed at significant frequency in large population cohorts (gnomAD); In silico analysis supports that this missense variant does not alter protein structure/function; Has not been previously published as pathogenic or benign to our knowledge